The following is an entry in ClinVar:

ClinVar aggregate classification (germline): Likely pathogenic (1 of 4 stars; one submission).

Conditions:
KCNA3-associated developmental and epileptic encephalopathy.

Submission:

Institute of Human Genetics, University of Leipzig Medical Center
Classification: Likely pathogenic for KCNA3-associated developmental and epileptic encephalopathy. Last evaluated: 2023-11-21. Review status: criteria provided, single submitter. Criteria: ACMG Guidelines, 2015. Collection method: research. Allele origin: de novo. Inheritance: Autosomal dominant inheritance. Affected: yes. Observed: 1 variant allele.
Comment: This variant was identified as de novo (maternity and paternity confirmed). Criteria applied: PS3, PS2_MOD, PM2_SUP, PP3

Literature cited by the submitters: PubMed 37964487.

NM_002232.5(KCNA3):c.1403G>T (p.Gly468Val)

Gene: KCNA3 (potassium voltage-gated channel subfamily A member 3; minus strand). Cytogenetic location: 1p13.3.
Variant type: single nucleotide variant.
Coding change: c.1403G>T on transcript NM_002232.5 (MANE Select); coding-DNA position 1403, G replaced by T.
Protein change: p.Gly468Val; replaces glycine 468 with valine.
Molecular consequence: missense variant. On other transcripts: non-coding transcript variant (1).
Genome position (GRCh38, 1-based): chr1:110,673,407, C>A on the plus strand (G>T on the coding strand, the complement: KCNA3 is on the minus strand). VCF-style: chr1-110673407-C-A. GRCh37 (hg19) VCF-style: chr1-111216029-C-A.
Other names: short protein forms G468V.
Identifiers: ClinVar variation 3068740 (VCV003068740.1), dbSNP rs2524761189, ClinGen allele CA341807982.